The following is an entry in ClinVar:

ClinVar aggregate classification (germline): Pathogenic/Likely pathogenic. Review status: criteria provided, multiple submitters, no conflicts (2 of 4 stars). 3 submissions from 3 submitters: Pathogenic (1); Likely pathogenic (1). 1 of the submissions does not count toward it. Last evaluated 2023-09-21.

Conditions:
Pendred syndrome (PDS). Also called: Pendred's syndrome; GOITER-DEAFNESS SYNDROME; HYPOTHYROIDISM, CONGENITAL, DUE TO DYSHORMONOGENESIS, 2B; THYROID DYSHORMONOGENESIS 2B; THYROID HORMONOGENESIS, GENETIC DEFECT IN, 2B; Pendred Syndrome (PDS). Identifiers: Orphanet 705, MedGen C0271829, MONDO:0010134, OMIM 274600.
Autosomal recessive nonsyndromic hearing loss 4 (DFNB4). Also called: NEUROSENSORY NONSYNDROMIC RECESSIVE DEAFNESS 4; Nonsyndromic enlarged vestibular aqueduct (NSEVA); FOXI1-Related Pendred Syndrome; KCNJ10-Related Pendred Syndrome; Enlarged vestibular aqueduct, digenic; DEAFNESS, AUTOSOMAL RECESSIVE 4, WITH ENLARGED VESTIBULAR AQUEDUCT, DIGENIC. Identifiers: Orphanet 90636, MedGen C3538946, MONDO:0010933, OMIM 600791.

Submissions (3):

Labcorp Genetics (formerly Invitae), Labcorp
Classification: Pathogenic. Last evaluated: 2023-09-21. Review status: criteria provided, single submitter. Criteria: Invitae Variant Classification Sherloc (09022015). Collection method: clinical testing. Allele origin: germline.
Comment: For these reasons, this variant has been classified as Pathogenic. This variant disrupts the p.Ser532 amino acid residue in SLC26A4. Other variant(s) that disrupt this residue have been determined to be pathogenic (PMID: 17718863, 23918157, 25372295). This suggests that this residue is clinically significant, and that variants that disrupt this residue are likely to be disease-causing. Advanced modeling of protein sequence and biophysical properties (such as structural, functional, and spatial information, amino acid conservation, physicochemical variation, residue mobility, and thermodynamic stability) has been performed at Invitae for this missense variant, however the output from this modeling did not meet the statistical confidence thresholds required to predict the impact of this variant on SLC26A4 protein function. ClinVar contains an entry for this variant (Variation ID: 1297065). This missense change has been observed in individual(s) with autosomal recessive hearing loss (PMID: 17718863, 21961810). In at least one individual the data is consistent with being in trans (on the opposite chromosome) from a pathogenic variant. This variant is not present in population databases (gnomAD no frequency). This sequence change replaces serine, which is neutral and polar, with arginine, which is basic and polar, at codon 532 of the SLC26A4 protein (p.Ser532Arg).

Juno Genomics, Hangzhou Juno Genomics, Inc
Classification: Likely pathogenic for Autosomal recessive nonsyndromic hearing loss 4; Pendred syndrome. Review status: criteria provided, single submitter. Criteria: ACMG Guidelines, 2015. Collection method: clinical testing. Allele origin: germline.
Comment: Absent from controls (or at extremely low frequency if recessive) in Genome Aggregation Database.;Multiple lines of computational evidence support a deleterious effect on the gene or gene product.;For recessive disorders, detected in trans with a pathogenic variant.;Patient's phenotype or family history is highly specific for a disease with a single genetic etiology.;Novel missense change at an amino acid residue where a different missense change determined to be pathogenic has been seen before.

Deafness Molecular Diagnostic Center, Chinese PLA General Hospital
Classification: Pathogenic for Autosomal recessive nonsyndromic hearing loss 4. Review status: no assertion criteria provided. Collection method: case-control. Allele origin: maternal. Affected: yes. Not counted in ClinVar's aggregate classification.

Literature cited by the submitters: PubMed 17718863 (cited by Labcorp Genetics (formerly Invitae), Labcorp); PubMed 23918157 (cited by Labcorp Genetics (formerly Invitae), Labcorp); PubMed 25372295 (cited by Labcorp Genetics (formerly Invitae), Labcorp); PubMed 21961810 (cited by Labcorp Genetics (formerly Invitae), Labcorp).

NM_000441.2(SLC26A4):c.1594A>C (p.Ser532Arg)

Gene: SLC26A4 (solute carrier family 26 member 4; plus strand). Cytogenetic location: 7q22.3.
Variant type: single nucleotide variant.
Coding change: c.1594A>C on transcript NM_000441.2 (MANE Select); coding-DNA position 1594, A replaced by C.
Protein change: p.Ser532Arg; replaces serine 532 with arginine.
Molecular consequence: missense variant.
Genome position (GRCh38, 1-based): chr7:107,698,091, A>C. VCF-style: chr7-107698091-A-C. GRCh37 (hg19) VCF-style: chr7-107338536-A-C.
Other names: short protein forms S532R.
Identifiers: ClinVar variation 1297065 (VCV001297065.8), dbSNP rs2129317533, ClinGen allele CA368841657.